The following is an entry in ClinVar:

ClinVar aggregate classification (germline): Uncertain significance (1 of 4 stars; one submission).

Conditions:
Mitochondrial complex II deficiency, nuclear type 1. Also called: SUCCINATE CoQ REDUCTASE DEFICIENCY. Identifiers: Orphanet 3208, MedGen C5700310, MONDO:0100294, OMIM 252011.
Pheochromocytoma/paraganglioma syndrome 5. Also called: Paragangliomas 5; SDHA-Related Hereditary Paraganglioma-Pheochromocytoma Syndrome. Identifiers: Orphanet 29072, MedGen C3279992, MONDO:0013602, OMIM 614165.

Submission:

Labcorp Genetics (formerly Invitae), Labcorp
Classification: Uncertain significance for Pheochromocytoma/paraganglioma syndrome 5; Mitochondrial complex II deficiency, nuclear type 1. Last evaluated: 2016-02-09. Review status: criteria provided, single submitter. Criteria: Invitae Variant Classification Sherloc (09022015). Collection method: clinical testing. Allele origin: germline.
Comment: A gross duplication of the genomic region encompassing the full coding sequence of the SDHA gene has been identified. The boundaries of this event are unknown as the duplication extends beyond the assayed region for this gene and therefore may encompass additional genes. As the precise location of this duplication is unknown, it may be in tandem or it may be located elsewhere in the genome. This variant is not present in population databases and has not been reported in the literature in individuals with a SDHA-related disease. In summary, this is a novel duplication of the SDHA gene. It has been classified as a Variant of Uncertain Significance.

NM_004168.3(SDHA):c.-115-?_*280+?dup2390

Gene: SDHA (succinate dehydrogenase complex flavoprotein subunit A; plus strand).
Variant type: Duplication.
Coding change: c.-115-?_*280+?dup2390 on transcript NM_004168.3.
Identifiers: ClinVar variation 239633 (VCV000239633.1).